The following is an entry in ClinVar:

NM_003108.4(SOX11):c.905C>T (p.Thr302Ile)

Gene: SOX11 (SRY-box transcription factor 11; plus strand). Cytogenetic location: 2p25.2.
Variant type: single nucleotide variant.
Coding change: c.905C>T on transcript NM_003108.4 (MANE Select); coding-DNA position 905, C replaced by T.
Protein change: p.Thr302Ile; replaces threonine 302 with isoleucine.
Molecular consequence: missense variant.
Genome position (GRCh38, 1-based): chr2:5,693,626, C>T. VCF-style: chr2-5693626-C-T. GRCh37 (hg19) VCF-style: chr2-5833758-C-T.
Other names: short protein forms T302I.
Identifiers: ClinVar variation 3350195 (VCV003350195.3).

ClinVar aggregate classification (germline): Conflicting classifications of pathogenicity. Review status: criteria provided, conflicting classifications (1 of 4 stars). 3 submissions from 3 submitters: Uncertain significance (1); Likely benign (1). 1 of the submissions does not count toward it. Last evaluated 2025-10-01.

Conditions:
SOX11-related disorder. Also called: SOX11-related condition.

Submissions (3):

Labcorp Genetics (formerly Invitae), Labcorp
Classification: Uncertain significance. Last evaluated: 2025-10-01. Review status: criteria provided, single submitter. Criteria: Invitae Variant Classification Sherloc (09022015). Collection method: clinical testing. Allele origin: germline.
Comment: This sequence change replaces threonine, which is neutral and polar, with isoleucine, which is neutral and non-polar, at codon 302 of the SOX11 protein (p.Thr302Ile). This variant is present in population databases (no rsID available, gnomAD 0.001%). This variant has not been reported in the literature in individuals affected with SOX11-related conditions. ClinVar contains an entry for this variant (Variation ID: 3350195). Invitae Evidence Modeling of protein sequence and biophysical properties (such as structural, functional, and spatial information, amino acid conservation, physicochemical variation, residue mobility, and thermodynamic stability) indicates that this missense variant is not expected to disrupt SOX11 protein function with a negative predictive value of 95%. In summary, the available evidence is currently insufficient to determine the role of this variant in disease. Therefore, it has been classified as a Variant of Uncertain Significance.

Blueprint Genetics
Classification: Likely benign. Last evaluated: 2022-03-29. Review status: criteria provided, single submitter. Criteria: ACMG Guidelines, 2015. Collection method: clinical testing. Allele origin: germline.

PreventionGenetics, part of Exact Sciences
Classification: Uncertain significance for SOX11-related condition. Last evaluated: 2024-06-04. Review status: no assertion criteria provided. Collection method: clinical testing. Allele origin: germline. Not counted in ClinVar's aggregate classification.
Comment: The SOX11 c.905C>T variant is predicted to result in the amino acid substitution p.Thr302Ile. To our knowledge, this variant has not been reported in the literature. This variant is reported in 0.0013% of alleles in individuals of European (Non-Finnish) descent in gnomAD. At this time, the clinical significance of this variant is uncertain due to the absence of conclusive functional and genetic evidence.